The following continues an entry in ClinVar:

NM_000152.5(GAA):c.1799G>A (p.Arg600His)

Gene: GAA. ClinVar aggregate classification (germline): Pathogenic. Pathogenic (1).

Submissions 8 to 16 of 16:

Women's Health and Genetics/Laboratory Corporation of America, LabCorp
Classification: Pathogenic for Glycogen storage disease, type II. Last evaluated: 2021-02-14. Review status: criteria provided, single submitter. Criteria: LabCorp Variant Classification Summary - May 2015. Collection method: clinical testing. Allele origin: germline. Not counted in ClinVar's aggregate classification.
Comment: Variant summary: GAA c.1799G>A (p.Arg600His) results in a non-conservative amino acid change in the encoded protein sequence. Five of five in-silico tools predict a damaging effect of the variant on protein function. The variant allele was found at a frequency of 1.2e-05 in 248322 control chromosomes. c.1799G>A has been reported in the literature in multiple individuals affected with classic infantile, childhood, or adult forms of CRIM positive Glycogen Storage Disease, Type 2 (Pompe Disease) (example, Ko_1999, de Vries_2011, Monies_2019, Pompe disease variant database). These data indicate that the variant is very likely to be associated with disease. No experimental evidence demonstrating an impact on protein function was ascertained in the context of this evaluation. Four clinical diagnostic laboratories have submitted clinical-significance assessments for this variant to ClinVar after 2014 without evidence for independent evaluation. All laboratories classified the variant as pathogenic (n=3)/likely pathogenic(n=1). Based on the evidence outlined above, the variant was classified as pathogenic.

Broad Center for Mendelian Genomics, Broad Institute of MIT and Harvard
Classification: Pathogenic for Glycogen storage disease, type II. Last evaluated: 2020-01-22. Review status: criteria provided, single submitter. Criteria: ACMG Guidelines, 2015. Collection method: curation. Allele origin: germline. Inheritance: Autosomal recessive inheritance. Not counted in ClinVar's aggregate classification.
Comment: The p.Arg600His variant in GAA has been reported in at least 12 individuals in the compound heterozygous state with Glycogen Storage Disease II (PMID: 22676651, 21920843, 18757064, 27649523, 24715333, 18995995, 10338092, 27649523, 15121988). This variant has also been reported pathogenic by GeneDx and Laboratorio de Medicina Genomica and likely pathogenic by Counsyl in ClinVar (Variation ID: 370130). This variant has been identified in 0.003% (1/30606) of South Asian chromosomes and 0.002% (2/111734) of European (non-Finnish) chromosomes by the Genome Aggregation Database (gnomAD; dbSNP rs377544304). Although this variant has been seen in the general population, its frequency is low enough to be consistent with a recessive carrier frequency. In vitro functional studies with COS and HEK cells transfected with this variant provide some evidence that the p.Arg600His variant may impact enzyme levels and activity (PMID: 19862843, 24715333). However, these types of assays may not accurately represent biological function. Computational prediction tools and conservation analyses suggest that this variant may impact the protein, though this information is not predictive enough to determine pathogenicity. The presence of this variant in combination with pathogenic variants and in individuals with Glycogen Storage Disease II increases the likelihood that the p.Arg600His variant is pathogenic (PMID: 27649523, 22676651, 24715333). The phenotype of individuals heterozygous with this variant is highly specific for Glycogen Storage Disease II based on GAA activity assays (PMID: 24715333, 27649523, 15121988). One additional pathogenic variant, resulting in a different amino acid change at the same position, p.Arg600Cys, has been reported in association with disease in the literature, supporting that a change at this position may not be tolerated (PMID: 14643388, 24384324, 18458862, 14695532, 11053688, 21982629). In summary, this variant meets criteria to be classified as pathogenic for Glycogen Storage Disease II in an autosomal recessive manner based on in vitro functional studies and multiple occurrences with variants reported in association with disease in individuals with Glycogen Storage Disease II. ACMG/AMP Criteria applied: PS3, PM3, PM2, PP3, PP4 (Richards 2015).

ARUP Laboratories, Molecular Genetics and Genomics, ARUP Laboratories
Classification: Pathogenic for Glycogen storage disease, type II. Last evaluated: 2019-10-18. Review status: criteria provided, single submitter. Criteria: ARUP Molecular Germline Variant Investigation Process. Collection method: clinical testing. Allele origin: germline. Not counted in ClinVar's aggregate classification.
Comment: The GAA c.1799G>A; p.Arg600His variant (rs377544304) is reported in the literature in multiple individuals affected with glycogen storage disease type II, also known as Pompe disease, each of whom also carried a second pathogenic variant (de Vries 2011, Ko 1999, van der Beek 2008). This variant is reported as pathogenic/likely pathogenic by multiple laboratories in ClinVar (Variation ID: 370130), and it is found on only three chromosomes in the Genome Aggregation Database (3/248322 alleles), indicating it is not a common polymorphism. The arginine at codon 600 is highly conserved, and functional characterization of the variant protein expressed in cultured cells suggests it has less than 2% of wildtype activity (Flanagan 2009). Additionally, other amino acid substitutions at this codon (p.Arg600Cys, p.Arg600Leu) have been reported in individuals with Pompe disease and are considered disease-causing (Fukuhara 2017, McCready 2007). Based on available information, the p.Arg600His variant is considered to be pathogenic. References: de Vries JM et al. First experience with enzyme replacement therapy during pregnancy and lactation in Pompe disease. Mol Genet Metab. 2011 Dec;104(4):552-5. Flanagan JJ et al. The pharmacological chaperone 1-deoxynojirimycin increases the activity and lysosomal trafficking of multiple mutant forms of acid alpha-glucosidase. Hum Mutat. 2009 Dec;30(12):1683-92. Fukuhara Y et al. A molecular analysis of the GAA gene and clinical spectrum in 38 patients with Pompe disease in Japan. Mol Genet Metab Rep. 2017 Oct 31;14:3-9. Ko et al. Molecular genetic study of Pompe disease in Chinese patients in Taiwan. Hum Mutat. 1999;13(5):380-4. McCready ME et al. Development of a clinical assay for detection of GAA mutations and characterization of the GAA mutation spectrum in a Canadian cohort of individuals with glycogen storage disease, type II. Mol Genet Metab. 2007 Dec;92(4):325-35. van der Beek NA et al. Cardiac evaluation in children and adults with Pompe disease sharing the common c.-32-13T>G genotype rarely reveals abnormalities. J Neurol Sci. 2008 Dec 15;275(1-2):46-50.

Blueprint Genetics
Classification: Likely pathogenic for GAA-related disorders. Last evaluated: 2017-08-31. Review status: criteria provided, single submitter. Criteria: ACMG Guidelines, 2015. Collection method: clinical testing. Allele origin: germline. Affected: yes. Observed: 2 variant alleles. Not counted in ClinVar's aggregate classification.

GeneDx
Classification: Pathogenic. Last evaluated: 2017-07-10. Review status: criteria provided, single submitter. Criteria: GeneDx Variant Classification (06012015). Collection method: clinical testing. Allele origin: germline. Affected: yes. Not counted in ClinVar's aggregate classification.
Comment: The R600H pathogenic variant in the GAA gene has been previously reported in multiple unrelated individuals with GSDII, who harbored a pathogenic variant on the opposite GAA allele (Ko et al., 1999; van der Beek et al., 2008). Analysis of R600H transfected COS-7 cells demonstrates less than 2% residual GAA enzyme activity compared to wildtype controls (Flanagan et al., 2009). The R600H variant is not observed at a significant frequency in large population cohorts (Lek et al., 2016; 1000 Genomes Consortium et al., 2015; Exome Variant Server). This variant is a conservative amino acid substitution, which is not likely to impact secondary protein structure as these residues share similar properties. However, this substitution occurs at a position that is conserved across species and different missense variants at the same position (R600C/L) have been previously reported in the homozygous and compound heterozygous state in individuals with GSDII (Tsujino et al., 2000; McCready et al., 2007). Additionally, the majority of missense variants in this gene are considered pathogenic (Stenson et al., 2014). In silico analysis predicts this variant is probably damaging to the protein structure/function.

Counsyl
Classification: Likely pathogenic for Glycogen storage disease, type II. Last evaluated: 2015-11-24. Review status: no assertion criteria provided. Collection method: clinical testing. Allele origin: unknown. Not counted in ClinVar's aggregate classification.

Clinical Genetics DNA and cytogenetics Diagnostics Lab, Erasmus MC, Erasmus Medical Center
Classification: Pathogenic. Review status: no assertion criteria provided. Collection method: clinical testing. Allele origin: germline. Affected: yes. Study: VKGL Data-share Consensus. Not counted in ClinVar's aggregate classification.

Genome Diagnostics Laboratory, University Medical Center Utrecht
Classification: Pathogenic. Review status: no assertion criteria provided. Collection method: clinical testing. Allele origin: germline. Affected: yes. Study: VKGL Data-share Consensus. Not counted in ClinVar's aggregate classification.

Laboratorio de Medicina Genomica, Hospital General de Culiacan
Classification: Pathogenic for Glycogen storage disease, type II. Review status: no assertion criteria provided. Collection method: clinical testing. Allele origin: germline. Affected: yes. Not counted in ClinVar's aggregate classification.
Comment: Dyspnea on exertion, difficulty in both genuflection and climbing stairs, progressive muscle weakness in pelvic area, amyotrophy, hyperflexia, early fatigue, myalgias and cramps, Gowers sign were observed in all siblings, while weakness in arms, scapula alata and progresive muscle weakness in scapula area were observed in males only.

It's possible that transmission ratio distortion is involved because a deviation of Mendel's second law is evident, but it's difficult to test because more evidence would be needed: a larger geneology (more family evidence across several generations), some genetics, etc.

Literature cited by the submitters: PubMed 38958145 (cited by Genomenon, Inc); PubMed 38043017 (cited by Genomenon, Inc); PubMed 36237614 (cited by Genomenon, Inc); PubMed 34072668 (cited by Genomenon, Inc and Natera, Inc.); PubMed 33741225 (cited by Genomenon, Inc); PubMed 33073007 (cited by Genomenon, Inc); PubMed 31606152 (cited by Genomenon, Inc); PubMed 31086307 (cited by Genomenon, Inc and AiLife Diagnostics); PubMed 30049495 (cited by Genomenon, Inc); PubMed 19862843 (cited by 4 submitters); PubMed 24715333 (cited by 3 submitters); PubMed 10338092 (cited by 5 submitters); PubMed 20033296 (cited by Labcorp Genetics (formerly Invitae), Labcorp); PubMed 30155607 (cited by Labcorp Genetics (formerly Invitae), Labcorp); PubMed 31342611 (cited by Labcorp Genetics (formerly Invitae), Labcorp and Institute of Medical Genetics and Genomics, Sir Ganga Ram Hospital); PubMed 21039225 (cited by Labcorp Genetics (formerly Invitae), Labcorp); PubMed 21232767 (cited by Labcorp Genetics (formerly Invitae), Labcorp); PubMed 21439876 (cited by Labcorp Genetics (formerly Invitae), Labcorp); PubMed 21967859 (cited by AiLife Diagnostics and Women's Health and Genetics/Laboratory Corporation of America, LabCorp); PubMed 31130284 (cited by AiLife Diagnostics and Women's Health and Genetics/Laboratory Corporation of America, LabCorp); PubMed 29061980 (cited by Women's Health and Genetics/Laboratory Corporation of America, LabCorp); PubMed 27649523 (cited by Broad Center for Mendelian Genomics, Broad Institute of MIT and Harvard and Laboratorio de Medicina Genomica, Hospital General de Culiacan); PubMed 21920843 (cited by Broad Center for Mendelian Genomics, Broad Institute of MIT and Harvard and Counsyl); PubMed 18757064 (cited by Broad Center for Mendelian Genomics, Broad Institute of MIT and Harvard and Counsyl); PubMed 22676651 (cited by Broad Center for Mendelian Genomics, Broad Institute of MIT and Harvard and Laboratorio de Medicina Genomica, Hospital General de Culiacan); PubMed 18995995 (cited by Broad Center for Mendelian Genomics, Broad Institute of MIT and Harvard and Counsyl); PubMed 15121988 (cited by Broad Center for Mendelian Genomics, Broad Institute of MIT and Harvard).